The following is an entry in ClinVar:

ClinVar aggregate classification (germline): Likely benign (0 of 4 stars; one submission).

Conditions:
ZNF512B-related disorder. Also called: ZNF512B-related condition.

Allele frequency attached by ClinVar (database versions not stated): ExAC 0.00001; TOPMed 0.00002.
gnomAD v4.1: 13 of 1,562,358 alleles (0.00083%); highest among the groups gnomAD compares: Admixed American, 0.013%; no homozygotes.

Submission:

PreventionGenetics, part of Exact Sciences
Classification: Likely benign for ZNF512B-related condition. Last evaluated: 2019-02-21. Review status: no assertion criteria provided. Collection method: clinical testing. Allele origin: germline.
Comment: This variant is classified as likely benign based on ACMG/AMP sequence variant interpretation guidelines (Richards et al. 2015 PMID: 25741868, with internal and published modifications).

NM_020713.3(ZNF512B):c.*9C>T

Gene: ZNF512B (zinc finger protein 512B; minus strand). Cytogenetic location: 20q13.33.
Variant type: single nucleotide variant.
Coding change: c.*9C>T on transcript NM_020713.3 (MANE Select); 9 bases downstream of the stop codon, C replaced by T.
Molecular consequence: 3 prime UTR variant.
Genome position (GRCh38, 1-based): chr20:63,959,879, G>A on the plus strand (C>T on the coding strand, the complement: ZNF512B is on the minus strand). VCF-style: chr20-63959879-G-A. GRCh37 (hg19) VCF-style: chr20-62591232-G-A.
Identifiers: ClinVar variation 3046525 (VCV003046525.2), dbSNP rs762842894, ClinGen allele CA9970665.